The following is an entry in ClinVar:

ClinVar aggregate classification (germline): Uncertain significance (1 of 4 stars; one submission).

Conditions:
Cardiovascular phenotype. Identifiers: MedGen CN230736.

Allele frequency attached by ClinVar (database versions not stated): gnomAD exomes 0.00001; TOPMed 0.00002.
gnomAD v4.1: 8 of 1,519,830 alleles (0.00053%); highest among the groups gnomAD compares: African/African-American, 0.0028%; no homozygotes.

Submission:

Ambry Genetics
Classification: Uncertain significance for Cardiovascular phenotype. Last evaluated: 2023-12-21. Review status: criteria provided, single submitter. Criteria: Ambry Variant Classification Scheme 2023. Collection method: clinical testing. Allele origin: germline.
Comment: The p.R981Q variant (also known as c.2942G>A), located in coding exon 1 of the ZNF469 gene, results from a G to A substitution at nucleotide position 2942. The arginine at codon 981 is replaced by glutamine, an amino acid with highly similar properties. This amino acid position is conserved. In addition, this alteration is predicted to be tolerated by in silico analysis. Since supporting evidence is limited at this time, the clinical significance of this alteration remains unclear.

NM_001367624.2(ZNF469):c.2942G>A (p.Arg981Gln)

Gene: ZNF469 (zinc finger protein 469; plus strand). Cytogenetic location: 16q24.2.
Variant type: single nucleotide variant.
Coding change: c.2942G>A on transcript NM_001367624.2 (MANE Select); coding-DNA position 2942, G replaced by A.
Protein change: p.Arg981Gln; replaces arginine 981 with glutamine.
Molecular consequence: missense variant.
Genome position (GRCh38, 1-based): chr16:88,430,412, G>A. VCF-style: chr16-88430412-G-A. GRCh37 (hg19) VCF-style: chr16-88496820-G-A.
Other names: NM_001127464.1:c.2942G>A; short protein forms R981Q.
Identifiers: ClinVar variation 3232778 (VCV003232778.1), dbSNP rs999842142, ClinGen allele CA286374313.